The following is an entry in ClinVar:

NM_014974.3(DIP2C):c.476A>G (p.Asn159Ser)

Gene: DIP2C (DIP2 acetate--CoA ligase C (putative); minus strand). Cytogenetic location: 10p15.3.
Variant type: single nucleotide variant.
Coding change: c.476A>G on transcript NM_014974.3 (MANE Select); coding-DNA position 476, A replaced by G.
Protein change: p.Asn159Ser; replaces asparagine 159 with serine.
Molecular consequence: missense variant.
Genome position (GRCh38, 1-based): chr10:422,952, T>C on the plus strand (A>G on the coding strand, the complement: DIP2C is on the minus strand). VCF-style: chr10-422952-T-C. GRCh37 (hg19) VCF-style: chr10-468892-T-C.
Other names: c.476A>G (NM_014974.2); short protein forms N159S.
Identifiers: ClinVar variation 2200751 (VCV002200751.5), dbSNP rs139951455, ClinGen allele CA5381324.

ClinVar aggregate classification (germline): Uncertain significance. Review status: criteria provided, multiple submitters, no conflicts (2 of 4 stars). 2 submissions from 2 submitters: Uncertain significance (2). Last evaluated 2025-01-08.

Conditions:
Inborn genetic diseases. Identifiers: MedGen C0950123, MeSH D030342.

Allele frequency attached by ClinVar (database versions not stated): gnomAD exomes 0.00001; ExAC 0.00002; gnomAD 0.00002; TOPMed 0.00003; ESP Exome Variant Server 0.00015; 1000 Genomes Project 30x 0.00016; 1000 Genomes Project 0.00020.
gnomAD v4.1: 19 of 1,614,200 alleles (0.0012%); highest among the groups gnomAD compares: African/African-American, 0.004%; no homozygotes.

Submissions (2):

Labcorp Genetics (formerly Invitae), Labcorp
Classification: Uncertain significance. Last evaluated: 2025-01-08. Review status: criteria provided, single submitter. Criteria: Invitae Variant Classification Sherloc (09022015). Collection method: clinical testing. Allele origin: germline.
Comment: This sequence change replaces asparagine, which is neutral and polar, with serine, which is neutral and polar, at codon 159 of the DIP2C protein (p.Asn159Ser). This variant is present in population databases (rs139951455, gnomAD 0.02%). This variant has not been reported in the literature in individuals affected with DIP2C-related conditions. ClinVar contains an entry for this variant (Variation ID: 2200751). An algorithm developed to predict the effect of missense changes on protein structure and function (PolyPhen-2) suggests that this variant is likely to be tolerated. In summary, the available evidence is currently insufficient to determine the role of this variant in disease. Therefore, it has been classified as a Variant of Uncertain Significance.

Ambry Genetics
Classification: Uncertain significance for Inborn genetic diseases. Last evaluated: 2024-10-04. Review status: criteria provided, single submitter. Criteria: Ambry Variant Classification Scheme 2023. Collection method: clinical testing. Allele origin: germline.